The following is an entry in ClinVar:

ClinVar aggregate classification (germline): Pathogenic/Likely pathogenic. Review status: criteria provided, multiple submitters, no conflicts (2 of 4 stars). 5 submissions from 5 submitters: Pathogenic (2); Likely pathogenic (2). 1 of the submissions does not count toward it. Last evaluated 2026-01-26.

Conditions:
Pemigatinib resistance.
FGFR2-related disorder. Identifiers: MedGen CN380096.
FGFR2-related craniosynostosis. Identifiers: MedGen CN231480.
Crouzon syndrome. Also called: Craniofacial dysostosis type 1; Crouzon craniofacial dysostosis; Crouzon disease; CRANIOFACIAL DYSOSTOSIS, TYPE I; Craniofacial dysostosis. Identifiers: Orphanet 207, MedGen C0010273, MeSH D003394, MONDO:0007405, OMIM 123500, HP:0004439.

Submissions (5):

GeneDx
Classification: Pathogenic. Last evaluated: 2026-01-26. Review status: criteria provided, single submitter. Criteria: GeneDx Variant Classification Process June 2021. Collection method: clinical testing. Allele origin: germline.
Comment: Reported in two individuals with a clinical diagnosis of Crouzon syndrome in the published literature (PMID: 11781872); Not observed at significant frequency in large population cohorts (gnomAD); In silico analysis supports that this missense variant has a deleterious effect on protein structure/function; This variant is associated with the following publications: (PMID: 23754559, 11781872)

Labcorp Genetics (formerly Invitae), Labcorp
Classification: Pathogenic for FGFR2-related craniosynostosis. Last evaluated: 2025-07-30. Review status: criteria provided, single submitter. Criteria: Invitae Variant Classification Sherloc (09022015). Collection method: clinical testing. Allele origin: germline.
Comment: This sequence change replaces asparagine, which is neutral and polar, with histidine, which is basic and polar, at codon 549 of the FGFR2 protein (p.Asn549His). This variant is not present in population databases (gnomAD no frequency). This missense change has been observed in individuals with FGFR2-related conditions (PMID: 11781872, 12357470, 16418739). ClinVar contains an entry for this variant (Variation ID: 374821). Invitae Evidence Modeling of protein sequence and biophysical properties (such as structural, functional, and spatial information, amino acid conservation, physicochemical variation, residue mobility, and thermodynamic stability) indicates that this missense variant is expected to disrupt FGFR2 protein function with a positive predictive value of 80%. For these reasons, this variant has been classified as Pathogenic.

Blueprint Genetics
Classification: Likely pathogenic for FGFR2-related disorders. Last evaluated: 2021-06-15. Review status: criteria provided, single submitter. Criteria: ACMG Guidelines, 2015. Collection method: clinical testing. Allele origin: de novo. Affected: yes. Observed: 1 variant allele.

Genomic Diagnostic Laboratory, Division of Genomic Diagnostics, Children's Hospital of Philadelphia
Classification: Likely pathogenic for Crouzon syndrome. Last evaluated: 2016-09-17. Review status: criteria provided, single submitter. Criteria: DGD Variant Analysis Guidelines. Collection method: clinical testing. Allele origin: germline. Affected: yes. Observed: 1 variant allele.
Comment: Clinical Testing

OSU Cancer Genomics Laboratory, Ohio State University Medical Center
Classification: drug response. Last evaluated: 2019-05-17. Review status: no assertion criteria provided. Collection method: research, in vitro. Allele origin: somatic, not applicable. Affected: yes. Observed: 1 heterozygote. Functional consequence: variation affecting protein function. Not counted in ClinVar's aggregate classification.
Comment: The Asn549His variant in FGFR2 was detected following 5 months of Pemigatinib therapy. In vitro functional studies also showed resistance to Pemigatinib.

likely pemigatinib resistant

Literature cited by the submitters: PubMed 11781872 (cited by Labcorp Genetics (formerly Invitae), Labcorp); PubMed 12357470 (cited by Labcorp Genetics (formerly Invitae), Labcorp); PubMed 16418739 (cited by Labcorp Genetics (formerly Invitae), Labcorp).

NM_000141.5(FGFR2):c.1645A>C (p.Asn549His)

Gene: FGFR2 (fibroblast growth factor receptor 2; minus strand). Cytogenetic location: 10q26.13.
Variant type: single nucleotide variant.
Coding change: c.1645A>C on transcript NM_000141.5 (MANE Select); coding-DNA position 1645, A replaced by C.
Protein change: p.Asn549His; replaces asparagine 549 with histidine.
Molecular consequence: missense variant. On other transcripts: non-coding transcript variant (1).
Genome position (GRCh38, 1-based): chr10:121,498,522, T>G on the plus strand (A>C on the coding strand, the complement: FGFR2 is on the minus strand). VCF-style: chr10-121498522-T-G. GRCh37 (hg19) VCF-style: chr10-123258036-T-G.
Other names: c.1648A>C, p.Asn550His (NM_001144913.1, NM_022970.4); c.1309A>C, p.Asn437His (NM_001144914.1); c.1378A>C, p.Asn460His (NM_001144915.2, NM_023029.3); c.1300A>C, p.Asn434His (NM_001144916.2); c.1297A>C, p.Asn433His (NM_001144917.2); c.1294A>C, p.Asn432His (NM_001144918.2); c.1381A>C, p.Asn461His (NM_001144919.2); c.961A>C, p.Asn321His (NM_001320654.2); and 1 more; short protein forms N549H, N550H, N461H, N433H, N434H, N547H, N321H, N432H.
Identifiers: ClinVar variation 374821 (VCV000374821.9), dbSNP rs1057519045, ClinGen allele CA16043908.